The following is an entry in ClinVar:

ClinVar aggregate classification (germline): Benign (1 of 4 stars; one submission).

gnomAD v4.1: 745 of 398,602 alleles (0.19%); highest among the groups gnomAD compares: African/African-American, 1.1%; 4 homozygotes.

Submission:

CeGaT Center for Human Genetics Tuebingen
Classification: Benign. Last evaluated: 2026-09-01. Review status: criteria provided, single submitter. Criteria: CeGaT Center For Human Genetics Tuebingen Variant Classification Criteria Version 2. Collection method: clinical testing. Allele origin: germline. Affected: yes. Observed: 5 variant alleles.
Comment: KCNQ1OT1: BS1, BS2

NM_000218.3(KCNQ1):c.1393+23728T>C

Genes: KCNQ1 (potassium voltage-gated channel subfamily Q member 1; plus strand), KCNQ1OT1 (KCNQ1 opposite strand/antisense transcript 1; minus strand). Cytogenetic location: 11p15.5.
Variant type: single nucleotide variant.
Coding change: c.1393+23728T>C on transcript NM_000218.3 (MANE Select); 23728 bases into the intron after coding-DNA position 1393, T replaced by C.
Molecular consequence: intron variant. On other transcripts: non-coding transcript variant (1).
Genome position (GRCh38, 1-based): chr11:2,612,582, T>C. VCF-style: chr11-2612582-T-C. GRCh37 (hg19) VCF-style: chr11-2633812-T-C.
Other names: c.1123+23728T>C (NM_001406837.1); c.1297+23728T>C (NM_001406836.1); c.853+23728T>C (NM_001406838.1); c.1012+23728T>C (NM_181798.2).
Identifiers: ClinVar variation 3257254 (VCV003257254.17).
Genomic context (GRCh38, chr11:2,612,582, plus strand): 5'-GCTTAGCCGCACTAGTGAGTTTTTCACCTAAGTTATTATATTTCACAACTACAGAATTTC[T>C]ATTTGGTTTCTAATTTCTATCTCTATATTGATATTATCTATTTGATGAGTCTTTGTCATC-3'